The following is an entry in ClinVar:

NM_021098.3(CACNA1H):c.2465C>T (p.Thr822Ile)

Gene: CACNA1H (calcium voltage-gated channel subunit alpha1 H; plus strand). Cytogenetic location: 16p13.3.
Variant type: single nucleotide variant.
Coding change: c.2465C>T on transcript NM_021098.3 (MANE Select); coding-DNA position 2465, C replaced by T.
Protein change: p.Thr822Ile; replaces threonine 822 with isoleucine.
Molecular consequence: missense variant.
Genome position (GRCh38, 1-based): chr16:1,205,127, C>T. VCF-style: chr16-1205127-C-T. GRCh37 (hg19) VCF-style: chr16-1255127-C-T.
Other names: c.2465C>T, p.Thr822Ile (NM_001005407.2); short protein forms T822I.
Identifiers: ClinVar variation 566164 (VCV000566164.8), dbSNP rs369356684, ClinGen allele CA7800301.

ClinVar aggregate classification (germline): Uncertain significance (1 of 4 stars; one submission).

Conditions:
Idiopathic generalized epilepsy. Also called: EIG; Generalised epilepsy. Identifiers: MedGen C0270850, MONDO:0005579, OMIM 600669.
Hyperaldosteronism, familial, type IV (HALD4). Also called: FH IV; ALDOSTERONISM, PRIMARY, AND HYPERTENSION. Identifiers: Orphanet 642671, MedGen C4310756, MONDO:0014875, OMIM 617027.

Allele frequency attached by ClinVar (database versions not stated): TOPMed 0.00002.
gnomAD v4.1: 10 of 1,612,142 alleles (0.00062%); highest among the groups gnomAD compares: Middle Eastern, 0.016%; no homozygotes.

Submission:

Labcorp Genetics (formerly Invitae), Labcorp
Classification: Uncertain significance for Idiopathic generalized epilepsy; Hyperaldosteronism, familial, type IV. Last evaluated: 2022-07-21. Review status: criteria provided, single submitter. Criteria: Invitae Variant Classification Sherloc (09022015). Collection method: clinical testing. Allele origin: germline.
Comment: This sequence change replaces threonine, which is neutral and polar, with isoleucine, which is neutral and non-polar, at codon 822 of the CACNA1H protein (p.Thr822Ile). In summary, the available evidence is currently insufficient to determine the role of this variant in disease. Therefore, it has been classified as a Variant of Uncertain Significance. Algorithms developed to predict the effect of missense changes on protein structure and function are either unavailable or do not agree on the potential impact of this missense change (SIFT: "Deleterious"; PolyPhen-2: "Probably Damaging"; Align-GVGD: "Class C0"). ClinVar contains an entry for this variant (Variation ID: 566164). This variant has not been reported in the literature in individuals affected with CACNA1H-related conditions. This variant is present in population databases (rs369356684, gnomAD 0.008%).